The following is an entry in ClinVar:

ClinVar aggregate classification (germline): Uncertain significance (1 of 4 stars; one submission).

Conditions:
Frontotemporal dementia and/or amyotrophic lateral sclerosis 4. Also called: FTDALS4. Identifiers: Orphanet 275872, MedGen C4225325, MONDO:0014641, OMIM 616439.

Submission:

Labcorp Genetics (formerly Invitae), Labcorp
Classification: Uncertain significance for Frontotemporal dementia and/or amyotrophic lateral sclerosis 4. Last evaluated: 2022-09-12. Review status: criteria provided, single submitter. Criteria: Invitae Variant Classification Sherloc (09022015). Collection method: clinical testing. Allele origin: germline.
Comment: This sequence change replaces leucine, which is neutral and non-polar, with phenylalanine, which is neutral and non-polar, at codon 729 of the TBK1 protein (p.Leu729Phe). In summary, the available evidence is currently insufficient to determine the role of this variant in disease. Therefore, it has been classified as a Variant of Uncertain Significance. Advanced modeling of protein sequence and biophysical properties (such as structural, functional, and spatial information, amino acid conservation, physicochemical variation, residue mobility, and thermodynamic stability) performed at Invitae indicates that this missense variant is not expected to disrupt TBK1 protein function. This variant has not been reported in the literature in individuals affected with TBK1-related conditions. This variant is not present in population databases (gnomAD no frequency).

NM_013254.4(TBK1):c.2185C>T (p.Leu729Phe)

Gene: TBK1 (TANK binding kinase 1; plus strand). Cytogenetic location: 12q14.2.
Variant type: single nucleotide variant.
Coding change: c.2185C>T on transcript NM_013254.4 (MANE Select); coding-DNA position 2185, C replaced by T.
Protein change: p.Leu729Phe; replaces leucine 729 with phenylalanine.
Molecular consequence: missense variant.
Genome position (GRCh38, 1-based): chr12:64,501,376, C>T. VCF-style: chr12-64501376-C-T. GRCh37 (hg19) VCF-style: chr12-64895156-C-T.
Other names: short protein forms L729F.
Identifiers: ClinVar variation 2028366 (VCV002028366.4), dbSNP rs2539544373, ClinGen allele CA385608742.